The following is an entry in ClinVar:

ClinVar aggregate classification (germline): Pathogenic (1 of 4 stars; one submission).

Submission:

Clinical Genomics Laboratory, Laboratory for Precision Diagnostics, University of Washington
Classification: Pathogenic. Last evaluated: 2021-11-22. Review status: criteria provided, single submitter. Criteria: ACMG/ClinGen CNV Guidelines, 2019. Collection method: clinical testing. Allele origin: unknown. Affected: yes. Observed: 1 variant allele.
Comment: This deletion within DMD is approximately 257 kb in size, with likely breakpoints in intron 48 and intron 55 (NM_004006.3). These breakpoints would result in deletion of exons 49 through 55. Exonic deletions of DMD are associated with a spectrum of muscle disease.

GRCh38/hg38 Xp21.1(chrX:31603552-31860687)x0

Genes: DMD (dystrophin; minus strand), LOC129391296 (MPRA-validated peak7373 silencer; plus strand). Cytogenetic location: Xp21.1.
Variant type: copy number loss.
Change: copy number 0 of chrX:31,603,552-31,860,687 (257.1 kb, GRCh38 coordinates, 1-based), cytogenetic band Xp21.1.
Identifiers: ClinVar variation 4755373 (VCV004755373.1).